The following is an entry in ClinVar:

NM_014956.5(CEP164):c.3558G>A (p.Leu1186=)

Gene: CEP164 (centrosomal protein 164; plus strand). Cytogenetic location: 11q23.3.
Variant type: single nucleotide variant.
Coding change: c.3558G>A on transcript NM_014956.5 (MANE Select); coding-DNA position 3558, G replaced by A.
Protein change: p.Leu1186=; no amino-acid change (leucine 1186 retained).
Molecular consequence: synonymous variant.
Genome position (GRCh38, 1-based): chr11:117,407,981, G>A. VCF-style: chr11-117407981-G-A. GRCh37 (hg19) VCF-style: chr11-117278697-G-A.
Other names: c.3558G>A (NM_014956.4); c.3567G>A, p.Leu1189= (NM_001271933.2).
Identifiers: ClinVar variation 1626342 (VCV001626342.9), dbSNP rs1295395116, ClinGen allele CA476899208.
Genomic context (GRCh38, chr11:117,407,981, plus strand): 5'-GCAGGAGACCAGGCACCTGGATGAGATGAAGTCGGCCATGCGGAAAGGCCACAACCTGCT[G>A]AAGAAGAAAGAGGAGAAGCTGAATCAGTTGGAGTCCTCTCTTTGGGAAGAGGTGCAGCCC-3'
Protein context (NP_055771.4, residues 1176-1196): KSAMRKGHNL[Leu1186=]KKKEEKLNQL

ClinVar aggregate classification (germline): Likely benign. Review status: criteria provided, multiple submitters, no conflicts (2 of 4 stars). 2 submissions from 2 submitters: Likely benign (2). Last evaluated 2025-08-14.

Conditions:
CEP164-related disorder. Also called: CEP164-related condition.
Nephronophthisis 15 (NPHP15). Identifiers: Orphanet 3156, MedGen C3541853, MONDO:0013917, OMIM 614845.

Allele frequency attached by ClinVar (database versions not stated): gnomAD exomes below 0.00001 and 0.00001; TOPMed below 0.00001.
gnomAD v4.1: 2 of 1,602,208 alleles (0.00012%); highest among the groups gnomAD compares: Admixed American, 0.0034%; no homozygotes.

Submissions (2):

PreventionGenetics, part of Exact Sciences
Classification: Likely benign for CEP164-related condition. Last evaluated: 2025-08-14. Review status: criteria provided, single submitter. Criteria: ACMG Guidelines, 2015. Collection method: clinical testing. Allele origin: germline.
Comment: This variant is classified as likely benign based on ACMG/AMP sequence variant interpretation guidelines (Richards et al. 2015 PMID: 25741868, with internal and published modifications).

Labcorp Genetics (formerly Invitae), Labcorp
Classification: Likely benign for Nephronophthisis 15. Last evaluated: 2025-01-20. Review status: criteria provided, single submitter. Criteria: Invitae Variant Classification Sherloc (09022015). Collection method: clinical testing. Allele origin: germline.